The following is an entry in ClinVar:

ClinVar aggregate classification (germline): Uncertain significance (1 of 4 stars; one submission).

Conditions:
Inborn genetic diseases. Identifiers: MedGen C0950123, MeSH D030342.

Submission:

Ambry Genetics
Classification: Uncertain significance for Inborn genetic diseases. Last evaluated: 2025-05-16. Review status: criteria provided, single submitter. Criteria: Ambry Variant Classification Scheme 2023. Collection method: clinical testing. Allele origin: germline.
Comment: The p.H58P variant (also known as c.173A>C), located in coding exon 1 of the CEBPA gene, results from an A to C substitution at nucleotide position 173. The histidine at codon 58 is replaced by proline, an amino acid with similar properties. This amino acid position is conserved. In addition, this alteration is predicted to be tolerated by in silico analysis. Based on the available evidence, the clinical significance of this variant remains unclear.

NM_004364.5(CEBPA):c.173A>C (p.His58Pro)

Gene: CEBPA (CCAAT enhancer binding protein alpha; minus strand). Cytogenetic location: 19q13.11.
Variant type: single nucleotide variant.
Coding change: c.173A>C on transcript NM_004364.5 (MANE Select); coding-DNA position 173, A replaced by C.
Protein change: p.His58Pro; replaces histidine 58 with proline.
Molecular consequence: missense variant. On other transcripts: 5 prime UTR variant (1).
Genome position (GRCh38, 1-based): chr19:33,302,242, T>G on the plus strand (A>C on the coding strand, the complement: CEBPA is on the minus strand). VCF-style: chr19-33302242-T-G. GRCh37 (hg19) VCF-style: chr19-33793148-T-G.
Other names: c.-185A>C (NM_001285829.2); c.278A>C, p.His93Pro (NM_001287424.2); c.131A>C, p.His44Pro (NM_001287435.2); short protein forms H93P, H44P, H58P.
Identifiers: ClinVar variation 4000011 (VCV004000011.1).